The following is an entry in ClinVar:

NM_033409.4(SLC52A3):c.857G>A (p.Gly286Glu)

Gene: SLC52A3 (solute carrier family 52 member 3; minus strand). Cytogenetic location: 20p13.
Variant type: single nucleotide variant.
Coding change: c.857G>A on transcript NM_033409.4 (MANE Select); coding-DNA position 857, G replaced by A.
Protein change: p.Gly286Glu; replaces glycine 286 with glutamic acid.
Molecular consequence: missense variant.
Genome position (GRCh38, 1-based): chr20:763,714, C>T on the plus strand (G>A on the coding strand, the complement: SLC52A3 is on the minus strand). VCF-style: chr20-763714-C-T. GRCh37 (hg19) VCF-style: chr20-744358-C-T.
Other names: c.857G>A, p.Gly286Glu (NM_001370085.1, NM_001370086.1); short protein forms G286E.
Identifiers: ClinVar variation 1036956 (VCV001036956.8), dbSNP rs762187343, ClinGen allele CA9724666.

ClinVar aggregate classification (germline): Uncertain significance (1 of 4 stars; one submission).

Conditions:
Brown-Vialetto-van Laere syndrome 1. Also called: BROWN-VIALETTO-VAN LAERE SYNDROME 1, MILD; BULBAR PALSY, PROGRESSIVE, WITH SENSORINEURAL DEAFNESS; PONTOBULBAR PALSY WITH DEAFNESS. Identifiers: Orphanet 572550, Orphanet 97229, MedGen C0796274, MONDO:0024537, OMIM 211530.

Allele frequency attached by ClinVar (database versions not stated): gnomAD exomes below 0.00001 and 0.00001; ExAC 0.00001.

Submission:

Labcorp Genetics (formerly Invitae), Labcorp
Classification: Uncertain significance for Brown-Vialetto-van Laere syndrome 1. Last evaluated: 2020-06-12. Review status: criteria provided, single submitter. Criteria: Invitae Variant Classification Sherloc (09022015). Collection method: clinical testing. Allele origin: germline.
Comment: In summary, the available evidence is currently insufficient to determine the role of this variant in disease. Therefore, it has been classified as a Variant of Uncertain Significance. Algorithms developed to predict the effect of missense changes on protein structure and function output the following: SIFT: "Tolerated"; PolyPhen-2: "Benign"; Align-GVGD: "Class C0". The glutamic acid amino acid residue is found in multiple mammalian species, suggesting that this missense change does not adversely affect protein function. These predictions have not been confirmed by published functional studies and their clinical significance is uncertain. This variant has not been reported in the literature in individuals with SLC52A3-related conditions. This variant is present in population databases (rs762187343, ExAC 0.002%). This sequence change replaces glycine with glutamic acid at codon 286 of the SLC52A3 protein (p.Gly286Glu). The glycine residue is weakly conserved and there is a moderate physicochemical difference between glycine and glutamic acid.